The following is an entry in ClinVar:

ClinVar aggregate classification (germline): Uncertain significance (1 of 4 stars; one submission).

Conditions:
Hereditary sensory and autonomic neuropathy type 1 (HSAN1). Also called: HSAN 1; HSN Type I; Hereditary Sensory Neuropathy Type I. Identifiers: Orphanet 36386, MedGen C0020071, MONDO:0018213.

Allele frequency attached by ClinVar (database versions not stated): TOPMed below 0.00001; gnomAD 0.00001.
gnomAD v4.1: 1 of 1,613,938 alleles (0.000062%); highest among the groups gnomAD compares: African/African-American, 0.0013%; no homozygotes.

Submission:

Labcorp Genetics (formerly Invitae), Labcorp
Classification: Uncertain significance for Hereditary sensory and autonomic neuropathy type 1. Last evaluated: 2023-07-28. Review status: criteria provided, single submitter. Criteria: Invitae Variant Classification Sherloc (09022015). Collection method: clinical testing. Allele origin: germline.
Comment: In summary, the available evidence is currently insufficient to determine the role of this variant in disease. Therefore, it has been classified as a Variant of Uncertain Significance. Advanced modeling of protein sequence and biophysical properties (such as structural, functional, and spatial information, amino acid conservation, physicochemical variation, residue mobility, and thermodynamic stability) performed at Invitae indicates that this missense variant is expected to disrupt SPTLC1 protein function. This variant has not been reported in the literature in individuals affected with SPTLC1-related conditions. This variant is not present in population databases (gnomAD no frequency). This sequence change replaces aspartic acid, which is acidic and polar, with asparagine, which is neutral and polar, at codon 183 of the SPTLC1 protein (p.Asp183Asn).

NM_006415.4(SPTLC1):c.547G>A (p.Asp183Asn)

Gene: SPTLC1 (serine palmitoyltransferase long chain base subunit 1; minus strand). Cytogenetic location: 9q22.31.
Variant type: single nucleotide variant.
Coding change: c.547G>A on transcript NM_006415.4 (MANE Select); coding-DNA position 547, G replaced by A.
Protein change: p.Asp183Asn; replaces aspartic acid 183 with asparagine.
Molecular consequence: missense variant.
Genome position (GRCh38, 1-based): chr9:92,067,979, C>T on the plus strand (G>A on the coding strand, the complement: SPTLC1 is on the minus strand). VCF-style: chr9-92067979-C-T. GRCh37 (hg19) VCF-style: chr9-94830261-C-T.
Other names: c.547G>A, p.Asp183Asn (NM_001281303.2); c.181G>A, p.Asp61Asn (NM_001368272.1); c.82G>A, p.Asp28Asn (NM_001368273.1); short protein forms D183N, D61N, D28N.
Identifiers: ClinVar variation 2909504 (VCV002909504.3), dbSNP rs1834352253, ClinGen allele CA373798380.